The following is an entry in ClinVar:

ClinVar aggregate classification (germline): Uncertain significance (1 of 4 stars; one submission).

Allele frequency attached by ClinVar (database versions not stated): ExAC 0.00002.
gnomAD v4.1: 11 of 1,609,074 alleles (0.00068%); highest among the groups gnomAD compares: Non-Finnish European, 0.00051%; no homozygotes.

Submission:

Labcorp Genetics (formerly Invitae), Labcorp
Classification: Uncertain significance. Last evaluated: 2023-11-03. Review status: criteria provided, single submitter. Criteria: Invitae Variant Classification Sherloc (09022015). Collection method: clinical testing. Allele origin: germline.
Comment: This sequence change replaces cysteine, which is neutral and slightly polar, with tyrosine, which is neutral and polar, at codon 73 of the TNFRSF6B protein (p.Cys73Tyr). This variant is present in population databases (rs755686943, gnomAD 0.01%). This variant has not been reported in the literature in individuals affected with TNFRSF6B-related conditions. An algorithm developed to predict the effect of missense changes on protein structure and function (PolyPhen-2) suggests that this variant is likely to be disruptive. In summary, the available evidence is currently insufficient to determine the role of this variant in disease. Therefore, it has been classified as a Variant of Uncertain Significance.

NM_003823.4(TNFRSF6B):c.218G>A (p.Cys73Tyr)

Genes: RTEL1-TNFRSF6B (RTEL1-TNFRSF6B readthrough (NMD candidate); plus strand), TNFRSF6B (TNF receptor superfamily member 6b; plus strand). Cytogenetic location: 20q13.33.
Variant type: single nucleotide variant.
Coding change: c.218G>A on transcript NM_003823.4 (MANE Select); coding-DNA position 218, G replaced by A.
Protein change: p.Cys73Tyr; replaces cysteine 73 with tyrosine.
Molecular consequence: missense variant. On other transcripts: non-coding transcript variant (1).
Genome position (GRCh38, 1-based): chr20:63,696,985, G>A. VCF-style: chr20-63696985-G-A. GRCh37 (hg19) VCF-style: chr20-62328338-G-A.
Other names: short protein forms C73Y.
Identifiers: ClinVar variation 2993947 (VCV002993947.3), dbSNP rs755686943, ClinGen allele CA9966371.